The following is an entry in ClinVar:

ClinVar aggregate classification (germline): Uncertain significance (1 of 4 stars; one submission).

gnomAD v4.1: 1 of 1,614,044 alleles (0.000062%); no homozygotes.

Submission:

GeneDx
Classification: Uncertain significance. Last evaluated: 2024-05-15. Review status: criteria provided, single submitter. Criteria: GeneDx Variant Classification Process June 2021. Collection method: clinical testing. Allele origin: germline. Affected: yes.
Comment: In silico analysis supports that this missense variant has a deleterious effect on protein structure/function; Has not been previously published as pathogenic or benign to our knowledge

NM_004519.4(KCNQ3):c.509A>C (p.Glu170Ala)

Gene: KCNQ3 (potassium voltage-gated channel subfamily Q member 3; minus strand). Cytogenetic location: 8q24.22.
Variant type: single nucleotide variant.
Coding change: c.509A>C on transcript NM_004519.4 (MANE Select); coding-DNA position 509, A replaced by C.
Protein change: p.Glu170Ala; replaces glutamic acid 170 with alanine.
Molecular consequence: missense variant.
Genome position (GRCh38, 1-based): chr8:132,184,336, T>G on the plus strand (A>C on the coding strand, the complement: KCNQ3 is on the minus strand). VCF-style: chr8-132184336-T-G. GRCh37 (hg19) VCF-style: chr8-133196583-T-G.
Other names: c.149A>C, p.Glu50Ala (NM_001204824.2); short protein forms E170A, E50A.
Identifiers: ClinVar variation 3381541 (VCV003381541.1).
Genomic context (GRCh38, chr8:132,184,336, plus strand): 5'-CGGCCCCGCCAGCCTTTGTATCGGCAGCAACATCCAGCAGCCCAGATCCTCAAAGCAAAC[T>G]CGGCTCCAAAGATGAAAATAGCAAATGTCTCCTGCATGGAAGAGCATATGGAGAGGCACT-3'
Protein context (NP_004510.1, residues 160-180): ETFAIFIFGA[Glu170Ala]FALRIWAAGC